The following is an entry in ClinVar:

NM_022047.4(DEF6):c.530G>T (p.Gly177Val)

Gene: DEF6 (DEF6 guanine nucleotide exchange factor; plus strand). Cytogenetic location: 6p21.31.
Variant type: single nucleotide variant.
Coding change: c.530G>T on transcript NM_022047.4 (MANE Select); coding-DNA position 530, G replaced by T.
Protein change: p.Gly177Val; replaces glycine 177 with valine.
Molecular consequence: missense variant.
Genome position (GRCh38, 1-based): chr6:35,312,408, G>T. VCF-style: chr6-35312408-G-T. GRCh37 (hg19) VCF-style: chr6-35280185-G-T.
Other names: c.530G>T (NM_022047.3); short protein forms G177V.
Identifiers: ClinVar variation 2119326 (VCV002119326.5), dbSNP rs539849075, ClinGen allele CA363763173.

ClinVar aggregate classification (germline): Uncertain significance. Review status: criteria provided, multiple submitters, no conflicts (2 of 4 stars). 2 submissions from 2 submitters: Uncertain significance (2). Last evaluated 2024-06-26.

Allele frequency attached by ClinVar (database versions not stated): TOPMed below 0.00001.
gnomAD v4.1: 1 of 1,614,052 alleles (0.000062%); highest among the groups gnomAD compares: African/African-American, 0.0013%; no homozygotes.

Submissions (2):

Ambry Genetics
Classification: Uncertain significance. Last evaluated: 2024-06-26. Review status: criteria provided, single submitter. Criteria: Ambry Variant Classification Scheme 2023. Collection method: clinical testing. Allele origin: germline.

Labcorp Genetics (formerly Invitae), Labcorp
Classification: Uncertain significance. Last evaluated: 2022-06-22. Review status: criteria provided, single submitter. Criteria: Invitae Variant Classification Sherloc (09022015). Collection method: clinical testing. Allele origin: germline.
Comment: In summary, the available evidence is currently insufficient to determine the role of this variant in disease. Therefore, it has been classified as a Variant of Uncertain Significance. Algorithms developed to predict the effect of missense changes on protein structure and function are either unavailable or do not agree on the potential impact of this missense change (SIFT: "Tolerated"; PolyPhen-2: "Possibly Damaging"; Align-GVGD: "Class C0"). This variant has not been reported in the literature in individuals affected with DEF6-related conditions. This variant is not present in population databases (gnomAD no frequency). This sequence change replaces glycine, which is neutral and non-polar, with valine, which is neutral and non-polar, at codon 177 of the DEF6 protein (p.Gly177Val).